The following is an entry in ClinVar:

NM_001288705.3(CSF1R):c.178C>T (p.Leu60=)

Gene: CSF1R (colony stimulating factor 1 receptor; minus strand). Cytogenetic location: 5q32.
Variant type: single nucleotide variant.
Coding change: c.178C>T on transcript NM_001288705.3 (MANE Select); coding-DNA position 178, C replaced by T.
Protein change: p.Leu60=; no amino-acid change (leucine 60 retained).
Molecular consequence: synonymous variant. On other transcripts: 5 prime UTR variant (1), non-coding transcript variant (2).
Genome position (GRCh38, 1-based): chr5:150,080,896, G>A on the plus strand (C>T on the coding strand, the complement: CSF1R is on the minus strand). VCF-style: chr5-150080896-G-A. GRCh37 (hg19) VCF-style: chr5-149460459-G-A.
Other names: p.Leu60=; c.178C>T, p.Leu60= (NM_001349736.2, NM_001375320.1, NM_005211.4); c.-267C>T (NM_001375321.1).
Identifiers: ClinVar variation 352177 (VCV000352177.22), dbSNP rs55865465, ClinGen allele CA3507261.

ClinVar aggregate classification (germline): Benign/Likely benign. Review status: criteria provided, multiple submitters, no conflicts (2 of 4 stars). 5 submissions from 5 submitters: Benign (3); Likely benign (2). Last evaluated 2026-01-01.

Conditions:
Hereditary diffuse leukoencephalopathy with spheroids. Also called: LEUKOENCEPHALOPATHY, ADULT-ONSET, WITH AXONAL SPHEROIDS AND PIGMENTED GLIA. Identifiers: Orphanet 313808, MedGen C3711381, MONDO:0030796.

Allele frequency attached by ClinVar (database versions not stated): gnomAD 0.00048 and 0.00077; TOPMed 0.00108; 1000 Genomes Project 0.00419; 1000 Genomes Project 30x 0.00422.
gnomAD v4.1: 916 of 1,614,188 alleles (0.057%); highest among the groups gnomAD compares: East Asian, 1.3%; 11 homozygotes.

Submissions (5):

CeGaT Center for Human Genetics Tuebingen
Classification: Likely benign. Last evaluated: 2026-01-01. Review status: criteria provided, single submitter. Criteria: CeGaT Center For Human Genetics Tuebingen Variant Classification Criteria Version 2. Collection method: clinical testing. Allele origin: germline. Affected: yes. Observed: 2 variant alleles.
Comment: CSF1R: BP4, BP7, BS1

Labcorp Genetics (formerly Invitae), Labcorp
Classification: Benign. Last evaluated: 2025-12-16. Review status: criteria provided, single submitter. Criteria: Invitae Variant Classification Sherloc (09022015). Collection method: clinical testing. Allele origin: germline.

Mayo Clinic Laboratories, Mayo Clinic
Classification: Benign. Last evaluated: 2025-07-02. Review status: criteria provided, single submitter. Criteria: ACMG Guidelines, 2015. Collection method: clinical testing. Allele origin: germline. Observed: 3 variant alleles.
Comment: BA1, BP4, BP7

Blueprint Genetics
Classification: Likely benign. Last evaluated: 2024-11-06. Review status: criteria provided, single submitter. Criteria: ACMG Guidelines, 2015. Collection method: clinical testing. Allele origin: germline.

Illumina Laboratory Services, Illumina
Classification: Benign for Leukoencephalopathy, diffuse hereditary, with spheroids 1. Last evaluated: 2018-01-12. Review status: criteria provided, single submitter. Criteria: ICSL Variant Classification Criteria 13 December 2019. Collection method: clinical testing. Allele origin: germline.
Comment: This variant was observed in the ICSL laboratory as part of a predisposition screen in an ostensibly healthy population. It had not been previously curated by ICSL or reported in the Human Gene Mutation Database (HGMD: prior to June 1st, 2018), and was therefore a candidate for classification through an automated scoring system. Utilizing variant allele frequency, disease prevalence and penetrance estimates, and inheritance mode, an automated score was calculated to assess if this variant is too frequent to cause the disease. Based on the score and internal cut-off values, a variant classified as benign is not then subjected to further curation. The score for this variant resulted in a classification of benign for this disease.